The following is an entry in ClinVar:

NM_000059.4(BRCA2):c.5470_5471del (p.Asn1824fs)

Gene: BRCA2 (BRCA2 DNA repair associated; plus strand). Cytogenetic location: 13q13.1.
Variant type: Deletion.
Coding change: c.5470_5471del on transcript NM_000059.4 (MANE Select); coding-DNA positions 5470 to 5471, 2 bases deleted (AA; older notation c.5470_5471delAA).
Protein change: p.Asn1824fs; shifts the reading frame from asparagine 1824.
Molecular consequence: frameshift variant.
Genome position (GRCh38, 1-based): chr13:32,339,825-32,339,826, AA deleted; deleting any 2 consecutive bases within chr13:32,339,822-32,339,826 gives the same sequence; the c. name uses the placement nearest the transcript's 3' end. VCF-style (leftmost placement, unchanged base first): chr13-32339821-TAA-T. GRCh37 (hg19) VCF-style: chr13-32913958-TAA-T.
Other names: c.5470_5471delAA (NM_000059.3); short protein forms N1824fs.
Identifiers: ClinVar variation 142638 (VCV000142638.10), dbSNP rs80359515, ClinGen allele CA022385.

ClinVar aggregate classification (germline): Pathogenic. Review status: reviewed by expert panel (3 of 4 stars). 3 submissions from 3 submitters: Pathogenic (1). 2 of the submissions do not count toward it. Last evaluated 2016-09-08.

Conditions:
Hereditary cancer-predisposing syndrome. Also called: Hereditary neoplastic syndrome; Neoplastic Syndromes, Hereditary; Tumor predisposition; Hereditary Cancer Syndrome. Identifiers: Orphanet 140162, MedGen C0027672, MeSH D009386, MONDO:0015356.
Breast-ovarian cancer, familial, susceptibility to, 2 (BROVCA2). Also called: BRCA2 Hereditary Breast and Ovarian Cancer. Identifiers: Orphanet 145, MedGen C2675520, MONDO:0012933, OMIM 612555. Disease mechanism: loss of function.

Submissions (3):

Evidence-based Network for the Interpretation of Germline Mutant Alleles (ENIGMA)
Classification: Pathogenic for Breast-ovarian cancer, familial, susceptibility to, 2. Last evaluated: 2016-09-08. Review status: reviewed by expert panel. Criteria: ENIGMA BRCA1/2 Classification Criteria (2015). Collection method: curation. Allele origin: germline.
Comment: Variant allele predicted to encode a truncated non-functional protein.

Myriad Genetics, Inc.
Classification: Pathogenic for Breast-ovarian cancer, familial, susceptibility to, 2. Last evaluated: 2026-07-22. Review status: criteria provided, single submitter. Criteria: Myriad Autosomal Dominant, Autosomal Recessive and X-Linked Classification Criteria (2023). Collection method: clinical testing. Allele origin: unknown. Not counted in ClinVar's aggregate classification.
Comment: This variant is considered pathogenic. This variant creates a frameshift predicted to result in premature protein truncation.

Ambry Genetics
Classification: Pathogenic for Hereditary cancer-predisposing syndrome. Last evaluated: 2025-04-24. Review status: criteria provided, single submitter. Criteria: Ambry Variant Classification Scheme 2023. Collection method: clinical testing. Allele origin: germline. Not counted in ClinVar's aggregate classification.
Comment: The c.5470_5471delAA pathogenic mutation, located in coding exon 10 of the BRCA2 gene, results from a deletion of two nucleotides at nucleotide positions 5470 to 5471, causing a translational frameshift with a predicted alternate stop codon (p.N1824Cfs*4). This alteration is expected to result in loss of function by premature protein truncation or nonsense-mediated mRNA decay. As such, this alteration is interpreted as a disease-causing mutation.